The following is an entry in ClinVar:

NM_000548.5(TSC2):c.4351C>G (p.Arg1451Gly)

Gene: TSC2 (TSC complex subunit 2; plus strand). Cytogenetic location: 16p13.3.
Variant type: single nucleotide variant.
Coding change: c.4351C>G on transcript NM_000548.5 (MANE Select); coding-DNA position 4351, C replaced by G.
Protein change: p.Arg1451Gly; replaces arginine 1451 with glycine.
Molecular consequence: missense variant.
Genome position (GRCh38, 1-based): chr16:2,084,573, C>G. VCF-style: chr16-2084573-C-G. GRCh37 (hg19) VCF-style: chr16-2134574-C-G.
Other names: c.4150C>G, p.Arg1384Gly (NM_001077183.3); c.4282C>G, p.Arg1428Gly (NM_001114382.3); c.4042C>G, p.Arg1348Gly (NM_001318827.2); c.4006C>G, p.Arg1336Gly (NM_001318829.2); c.3619C>G, p.Arg1207Gly (NM_001318831.2); c.4183C>G, p.Arg1395Gly (NM_001318832.2); c.4153C>G, p.Arg1385Gly (NM_001363528.2); c.4219C>G, p.Arg1407Gly (NM_001370404.1); and 1 more; short protein forms R1451G, R1336G, R1407G, R1348G, R1385G, R1428G, R1207G, R1384G.
Identifiers: ClinVar variation 468085 (VCV000468085.20), dbSNP rs369553241, ClinGen allele CA050943.

ClinVar aggregate classification (germline): Conflicting classifications of pathogenicity. Review status: criteria provided, conflicting classifications (1 of 4 stars). 5 submissions from 5 submitters: Uncertain significance (3); Benign (1); Likely benign (1). Last evaluated 2025-03-05.

Conditions:
Hereditary cancer-predisposing syndrome. Also called: Hereditary neoplastic syndrome; Neoplastic Syndromes, Hereditary; Tumor predisposition; Hereditary Cancer Syndrome. Identifiers: Orphanet 140162, MedGen C0027672, MeSH D009386, MONDO:0015356.
Tuberous sclerosis syndrome (TSC). Also called: Tuberous Sclerosis Complex; Tuberous sclerosis. Identifiers: Orphanet 805, MedGen C0041341, MONDO:0001734.
Tuberous sclerosis 2 (TSC2). Identifiers: Orphanet 805, MedGen C1860707, MONDO:0013199, OMIM 613254.
Isolated focal cortical dysplasia type II (FCORD2). Also called: CORTICAL DYSPLASIA OF TAYLOR; Focal cortical dysplasia type II. Identifiers: Orphanet 268994, MedGen C1846385, MONDO:0011818, OMIM 607341, HP:0032051.
Lymphangiomyomatosis (LAM). Also called: Lymphangioleiomyomatosis; Lymphangioleiomyomatosis, somatic. Identifiers: Orphanet 538, MedGen C0751674, MONDO:0011705, OMIM 606690.

Allele frequency attached by ClinVar (database versions not stated): TOPMed 0.00001; gnomAD 0.00006; 1000 Genomes Project 30x 0.00016.
gnomAD v4.1: 12 of 1,607,480 alleles (0.00075%); highest among the groups gnomAD compares: African/African-American, 0.004%; no homozygotes.

Submissions (5):

Labcorp Genetics (formerly Invitae), Labcorp
Classification: Benign for Tuberous sclerosis 2. Last evaluated: 2025-03-05. Review status: criteria provided, single submitter. Criteria: Invitae Variant Classification Sherloc (09022015). Collection method: clinical testing. Allele origin: germline.

Fulgent Genetics
Classification: Uncertain significance for Lymphangiomyomatosis; Isolated focal cortical dysplasia type II; Tuberous sclerosis 2. Last evaluated: 2024-01-25. Review status: criteria provided, single submitter. Criteria: ACMG Guidelines, 2015. Collection method: clinical testing. Allele origin: germline.

All of Us Research Program, National Institutes of Health
Classification: Uncertain significance for Tuberous sclerosis syndrome. Last evaluated: 2023-10-06. Review status: criteria provided, single submitter. Criteria: ACMG Guidelines, 2015. Collection method: clinical testing. Allele origin: germline. Inheritance: Autosomal dominant inheritance. Observed: 1 variant allele, 1 heterozygote.
Comment: This missense variant replaces arginine with glycine at codon 1451 of the TSC2 protein. Computational prediction is inconclusive regarding the impact of this variant on protein structure and function (internally defined REVEL score threshold 0.5 < inconclusive < 0.7, PMID: 27666373). To our knowledge, functional studies have not been reported for this variant. This variant has not been reported in individuals affected with tuberous sclerosis complex in the literature. This variant has been identified in 4/271230 chromosomes in the general population by the Genome Aggregation Database (gnomAD). The available evidence is insufficient to determine the role of this variant in disease conclusively. Therefore, this variant is classified as a Variant of Uncertain Significance.

This study involves interpretation of variants in research participants for the purpose of population health screening. Participant phenotype was not available at the time of variant classification. Additional details can be found in publication PMID: 35346344, PMCID: PMC8962531

Ambry Genetics
Classification: Uncertain significance for Hereditary cancer-predisposing syndrome. Last evaluated: 2022-04-29. Review status: criteria provided, single submitter. Criteria: Ambry Variant Classification Scheme 2023. Collection method: clinical testing. Allele origin: germline.
Comment: The p.R1451G variant (also known as c.4351C>G), located in coding exon 33 of the TSC2 gene, results from a C to G substitution at nucleotide position 4351. The arginine at codon 1451 is replaced by glycine, an amino acid with dissimilar properties. This amino acid position is not well conserved in available vertebrate species. In addition, the in silico prediction for this alteration is inconclusive. Since supporting evidence is limited at this time, the clinical significance of this alteration remains unclear.

Genome-Nilou Lab
Classification: Likely benign for Tuberous sclerosis 2. Last evaluated: 2021-11-07. Review status: criteria provided, single submitter. Criteria: ACMG Guidelines, 2015. Collection method: clinical testing. Allele origin: germline. Affected: no.